The following is an entry in ClinVar:

NM_032802.4(SPPL2A):c.599C>T (p.Ala200Val)

Gene: SPPL2A (signal peptide peptidase like 2A; minus strand). Cytogenetic location: 15q21.2.
Variant type: single nucleotide variant.
Coding change: c.599C>T on transcript NM_032802.4 (MANE Select); coding-DNA position 599, C replaced by T.
Protein change: p.Ala200Val; replaces alanine 200 with valine.
Molecular consequence: missense variant.
Genome position (GRCh38, 1-based): chr15:50,739,814, G>A on the plus strand (C>T on the coding strand, the complement: SPPL2A is on the minus strand). VCF-style: chr15-50739814-G-A. GRCh37 (hg19) VCF-style: chr15-51032011-G-A.
Other names: c.599C>T (NM_032802.3); short protein forms A200V.
Identifiers: ClinVar variation 2645334 (VCV002645334.29), dbSNP rs61752332, ClinGen allele CA7558465.

ClinVar aggregate classification (germline): Likely benign. Review status: criteria provided, multiple submitters, no conflicts (2 of 4 stars). 4 submissions from 4 submitters: Likely benign (4). Last evaluated 2025-05-01.

Conditions:
SPPL2A-related disorder. Also called: SPPL2A-related condition.

Allele frequency attached by ClinVar (database versions not stated): 1000 Genomes Project 0.00060; 1000 Genomes Project 30x 0.00062; ESP Exome Variant Server 0.00216; TOPMed 0.00220; gnomAD 0.00231; gnomAD exomes 0.00234; ExAC 0.00321.
gnomAD v4.1: 3,781 of 1,599,714 alleles (0.24%); highest among the groups gnomAD compares: Middle Eastern, 0.88%; 10 homozygotes.

Submissions (6):

CeGaT Center for Human Genetics Tuebingen
Classification: Likely benign. Last evaluated: 2025-05-01. Review status: criteria provided, single submitter. Criteria: CeGaT Center For Human Genetics Tuebingen Variant Classification Criteria Version 2. Collection method: clinical testing. Allele origin: germline. Affected: yes. Observed: 6 variant alleles.
Comment: SPPL2A: BP4

PreventionGenetics, part of Exact Sciences
Classification: Likely benign for SPPL2A-related condition. Last evaluated: 2025-02-17. Review status: criteria provided, single submitter. Criteria: ACMG Guidelines, 2015. Collection method: clinical testing. Allele origin: germline.
Comment: This variant is classified as likely benign based on ACMG/AMP sequence variant interpretation guidelines (Richards et al. 2015 PMID: 25741868, with internal and published modifications).

Blueprint Genetics
Classification: Likely benign. Last evaluated: 2024-11-26. Review status: criteria provided, single submitter. Criteria: ACMG Guidelines, 2015. Collection method: clinical testing. Allele origin: germline.

Labcorp Genetics (formerly Invitae), Labcorp
Classification: Likely benign. Last evaluated: 2024-10-20. Review status: criteria provided, single submitter. Criteria: Invitae Variant Classification Sherloc (09022015). Collection method: clinical testing. Allele origin: germline.

Dr. Peter K. Rogan Lab, Western University
No classification provided (evidence only). Condition: Malignant tumor of urinary bladder. Review status: no classification provided. Collection method: in vitro. Allele origin: not applicable. Functional consequence: skipped exon. Not counted in ClinVar's aggregate classification.

Dr. Peter K. Rogan Lab, Western University
No classification provided (evidence only). Condition: Malignant tumor of urinary bladder. Review status: no classification provided. Collection method: in vitro. Allele origin: not applicable. Functional consequence: skipped exon. Not counted in ClinVar's aggregate classification.